The following is an entry in ClinVar:

ClinVar aggregate classification (germline): Likely benign (1 of 4 stars; one submission).

Allele frequency attached by ClinVar (database versions not stated): ESP Exome Variant Server 0.00016; ExAC 0.00022; TOPMed 0.00025; gnomAD exomes 0.00028; gnomAD 0.00033.

Submission:

CeGaT Center for Human Genetics Tuebingen
Classification: Likely benign. Last evaluated: 2023-09-01. Review status: criteria provided, single submitter. Criteria: CeGaT Center For Human Genetics Tuebingen Variant Classification Criteria Version 2. Collection method: clinical testing. Allele origin: germline. Affected: yes. Observed: 1 variant allele.
Comment: PNPLA3: PM2:Supporting, BP4, BP7

NM_025225.3(PNPLA3):c.27C>T (p.Ser9=)

Gene: PNPLA3 (patatin like domain 3, 1-acylglycerol-3-phosphate O-acyltransferase; plus strand). Cytogenetic location: 22q13.31.
Variant type: single nucleotide variant.
Coding change: c.27C>T on transcript NM_025225.3 (MANE Select); coding-DNA position 27, C replaced by T.
Protein change: p.Ser9=; no amino-acid change (serine 9 retained).
Molecular consequence: synonymous variant.
Genome position (GRCh38, 1-based): chr22:43,923,938, C>T. VCF-style: chr22-43923938-C-T. GRCh37 (hg19) VCF-style: chr22-44319818-C-T.
Identifiers: ClinVar variation 2653271 (VCV002653271.24), dbSNP rs375838646, ClinGen allele CA10277767.